The following is an entry in ClinVar:

ClinVar aggregate classification (germline): Uncertain significance (1 of 4 stars; one submission).

Conditions:
Leber congenital amaurosis 1 (LCA1). Also called: Congenital absence of the rods and cones; Leber's congenital tapetoretinal degeneration; Leber's congenital tapetoretinal dysplasia; AMAUROSIS CONGENITA OF LEBER I; RETINAL BLINDNESS, CONGENITAL. Identifiers: Orphanet 65, MedGen C2931258, MONDO:0008764, OMIM 204000.
Cone-rod dystrophy 6 (CORD6). Also called: Cone dystrophy progressive; RETINAL CONE DYSTROPHY 2. Identifiers: Orphanet 1872, MedGen C1866293, MONDO:0011143, OMIM 601777.

Allele frequency attached by ClinVar (database versions not stated): ExAC 0.00001.

Submission:

Labcorp Genetics (formerly Invitae), Labcorp
Classification: Uncertain significance for Leber congenital amaurosis 1; Cone-rod dystrophy 6. Last evaluated: 2024-10-15. Review status: criteria provided, single submitter. Criteria: Invitae Variant Classification Sherloc (09022015). Collection method: clinical testing. Allele origin: germline.
Comment: This sequence change replaces alanine, which is neutral and non-polar, with serine, which is neutral and polar, at codon 229 of the GUCY2D protein (p.Ala229Ser). The frequency data for this variant in the population databases is considered unreliable, as metrics indicate poor data quality at this position in the gnomAD database. This variant has not been reported in the literature in individuals affected with GUCY2D-related conditions. Invitae Evidence Modeling of protein sequence and biophysical properties (such as structural, functional, and spatial information, amino acid conservation, physicochemical variation, residue mobility, and thermodynamic stability) indicates that this missense variant is not expected to disrupt GUCY2D protein function with a negative predictive value of 80%. In summary, the available evidence is currently insufficient to determine the role of this variant in disease. Therefore, it has been classified as a Variant of Uncertain Significance.

NM_000180.4(GUCY2D):c.685G>T (p.Ala229Ser)

Gene: GUCY2D (guanylate cyclase 2D, retinal; plus strand). Cytogenetic location: 17p13.1.
Variant type: single nucleotide variant.
Coding change: c.685G>T on transcript NM_000180.4 (MANE Select); coding-DNA position 685, G replaced by T.
Protein change: p.Ala229Ser; replaces alanine 229 with serine.
Molecular consequence: missense variant.
Genome position (GRCh38, 1-based): chr17:8,003,732, G>T. VCF-style: chr17-8003732-G-T. GRCh37 (hg19) VCF-style: chr17-7907050-G-T.
Other names: short protein forms A229S.
Identifiers: ClinVar variation 2936946 (VCV002936946.3), dbSNP rs774207880, ClinGen allele CA8365534.